The following is an entry in ClinVar:

NM_001171.6(ABCC6):c.2977C>T (p.Leu993Phe)

Gene: ABCC6 (ATP binding cassette subfamily C member 6; minus strand). Cytogenetic location: 16p13.11.
Variant type: single nucleotide variant.
Coding change: c.2977C>T on transcript NM_001171.6 (MANE Select); coding-DNA position 2977, C replaced by T.
Protein change: p.Leu993Phe; replaces leucine 993 with phenylalanine.
Molecular consequence: missense variant. On other transcripts: non-coding transcript variant (1).
Genome position (GRCh38, 1-based): chr16:16,169,664, G>A on the plus strand (C>T on the coding strand, the complement: ABCC6 is on the minus strand). VCF-style: chr16-16169664-G-A. GRCh37 (hg19) VCF-style: chr16-16263521-G-A.
Other names: c.2635C>T, p.Leu879Phe (NM_001351800.1); short protein forms L993F, L879F.
Identifiers: ClinVar variation 1946579 (VCV001946579.2), dbSNP rs1352055601, ClinGen allele CA394884269.
Genomic context (GRCh38, chr16:16,169,664, plus strand): 5'-GCAGCTGGGAGGAGAGGGATGAGGAGGGCAGGTGAGGCGTACCTTGGAGACAGCCGAGGA[G>A]CCCGAAGATCCCGCCACGCAGGGCTGCCTGCGTCTGCTGCCCACCTACTGCAGGGTCGTC-3'
Protein context (NP_001162.5, residues 983-1003): QAALRGGIFG[Leu993Phe]LGCLQAIGLF

ClinVar aggregate classification (germline): Uncertain significance (1 of 4 stars; one submission).

Allele frequency attached by ClinVar (database versions not stated): gnomAD exomes 0.00001; TOPMed 0.00001.
gnomAD v4.1: 17 of 1,610,960 alleles (0.0011%); highest among the groups gnomAD compares: East Asian, 0.0067%; no homozygotes.

Submission:

Labcorp Genetics (formerly Invitae), Labcorp
Classification: Uncertain significance. Last evaluated: 2022-08-05. Review status: criteria provided, single submitter. Criteria: Invitae Variant Classification Sherloc (09022015). Collection method: clinical testing. Allele origin: germline.
Comment: This sequence change replaces leucine, which is neutral and non-polar, with phenylalanine, which is neutral and non-polar, at codon 993 of the ABCC6 protein (p.Leu993Phe). This variant is present in population databases (no rsID available, gnomAD 0.01%). This variant has not been reported in the literature in individuals affected with ABCC6-related conditions. Advanced modeling of protein sequence and biophysical properties (such as structural, functional, and spatial information, amino acid conservation, physicochemical variation, residue mobility, and thermodynamic stability) performed at Invitae indicates that this missense variant is not expected to disrupt ABCC6 protein function. In summary, the available evidence is currently insufficient to determine the role of this variant in disease. Therefore, it has been classified as a Variant of Uncertain Significance.